The following is an entry in ClinVar:

NM_001134831.2(AHI1):c.1315G>A (p.Glu439Lys)

Gene: AHI1 (Abelson helper integration site 1; minus strand). Cytogenetic location: 6q23.3.
Variant type: single nucleotide variant.
Coding change: c.1315G>A on transcript NM_001134831.2 (MANE Select); coding-DNA position 1315, G replaced by A.
Protein change: p.Glu439Lys; replaces glutamic acid 439 with lysine.
Molecular consequence: missense variant.
Genome position (GRCh38, 1-based): chr6:135,455,763, C>T on the plus strand (G>A on the coding strand, the complement: AHI1 is on the minus strand). VCF-style: chr6-135455763-C-T. GRCh37 (hg19) VCF-style: chr6-135776901-C-T.
Other names: c.1315G>A, p.Glu439Lys (NM_001134830.2, NM_001134832.2, NM_001350503.2 and 2 more transcripts); short protein forms E439K.
Identifiers: ClinVar variation 3343172 (VCV003343172.1).

ClinVar aggregate classification (germline): Uncertain significance (1 of 4 stars; one submission).

gnomAD v4.1: 4 of 1,603,808 alleles (0.00025%); highest among the groups gnomAD compares: South Asian, 0.0034%; no homozygotes.

Submission:

GeneDx
Classification: Uncertain significance. Last evaluated: 2023-05-01. Review status: criteria provided, single submitter. Criteria: GeneDx Variant Classification Process June 2021. Collection method: clinical testing. Allele origin: germline. Affected: yes.
Comment: Not observed at significant frequency in large population cohorts (gnomAD); In silico analysis supports that this missense variant does not alter protein structure/function; Has not been previously published as pathogenic or benign to our knowledge